The following is an entry in ClinVar:

NM_001077350.3(NPRL3):c.500C>T (p.Ala167Val)

Genes: HBA-LCR (alpha-globin locus control region; plus strand), NPRL3 (NPR3 like, GATOR1 complex subunit; minus strand). Cytogenetic location: 16p13.3.
Variant type: single nucleotide variant.
Coding change: c.500C>T on transcript NM_001077350.3 (MANE Select); coding-DNA position 500, C replaced by T.
Protein change: p.Ala167Val; replaces alanine 167 with valine.
Molecular consequence: missense variant. On other transcripts: 5 prime UTR variant (1).
Genome position (GRCh38, 1-based): chr16:112,669, G>A on the plus strand (C>T on the coding strand, the complement: NPRL3 is on the minus strand). VCF-style: chr16-112669-G-A. GRCh37 (hg19) VCF-style: chr16-162668-G-A.
Other names: c.-38C>T (NM_001039476.3); c.266C>T, p.Ala89Val (NM_001243247.2); c.425C>T, p.Ala142Val (NM_001243248.2, NM_001243249.2); short protein forms A167V, A89V, A142V.
Identifiers: ClinVar variation 2977332 (VCV002977332.3), dbSNP rs1408296201, ClinGen allele CA393993767.
Genomic context (GRCh38, chr16:112,669, plus strand): 5'-CTGCTGCACTCACCATCAGCCATGGCGGACACCTCATCCTGGAGCGCCAGGATCAGCTTG[G>A]CCTCCCGGGTGAGGTACTGGCAGCGGCGCTCCTCGTGCTGCAGCACGGTGGCGATACGAC-3'
Protein context (NP_001070818.1, residues 157-177): ERRCQYLTRE[Ala167Val]KLILALQDEV

ClinVar aggregate classification (germline): Uncertain significance (1 of 4 stars; one submission).

Conditions:
Epilepsy, familial focal, with variable foci 3 (FFEVF3). Identifiers: MedGen C4310708, MONDO:0014925, OMIM 617118.

Submission:

Labcorp Genetics (formerly Invitae), Labcorp
Classification: Uncertain significance for Epilepsy, familial focal, with variable foci 3. Last evaluated: 2024-09-30. Review status: criteria provided, single submitter. Criteria: Invitae Variant Classification Sherloc (09022015). Collection method: clinical testing. Allele origin: germline.
Comment: This sequence change replaces alanine, which is neutral and non-polar, with valine, which is neutral and non-polar, at codon 167 of the NPRL3 protein (p.Ala167Val). This variant is not present in population databases (gnomAD no frequency). This variant has not been reported in the literature in individuals affected with NPRL3-related conditions. Invitae Evidence Modeling of protein sequence and biophysical properties (such as structural, functional, and spatial information, amino acid conservation, physicochemical variation, residue mobility, and thermodynamic stability) indicates that this missense variant is not expected to disrupt NPRL3 protein function with a negative predictive value of 80%. In summary, the available evidence is currently insufficient to determine the role of this variant in disease. Therefore, it has been classified as a Variant of Uncertain Significance.